The following is an entry in ClinVar:

ClinVar aggregate classification (germline): Uncertain significance (1 of 4 stars; one submission).

Conditions:
Capillary malformation-arteriovenous malformation syndrome. Also called: Capillary malformation-arteriovenous malformation. Identifiers: Orphanet 137667, MedGen C1842180, MONDO:0012016.

gnomAD v4.1: 9 of 1,614,086 alleles (0.00056%); highest among the groups gnomAD compares: Non-Finnish European, 0.00068%; no homozygotes.

Submission:

Labcorp Genetics (formerly Invitae), Labcorp
Classification: Uncertain significance for Capillary malformation-arteriovenous malformation syndrome. Last evaluated: 2025-05-07. Review status: criteria provided, single submitter. Criteria: Invitae Variant Classification Sherloc (09022015). Collection method: clinical testing. Allele origin: germline.
Comment: This sequence change replaces proline, which is neutral and non-polar, with arginine, which is basic and polar, at codon 136 of the RASA1 protein (p.Pro136Arg). This variant is present in population databases (no rsID available, gnomAD no frequency). This variant has not been reported in the literature in individuals affected with RASA1-related conditions. ClinVar contains an entry for this variant (Variation ID: 1051450). An algorithm developed to predict the effect of missense changes on protein structure and function (PolyPhen-2) suggests that this variant is likely to be disruptive. In summary, the available evidence is currently insufficient to determine the role of this variant in disease. Therefore, it has been classified as a Variant of Uncertain Significance.

NM_002890.3(RASA1):c.407C>G (p.Pro136Arg)

Gene: RASA1 (RAS p21 protein activator 1; plus strand). Cytogenetic location: 5q14.3.
Variant type: single nucleotide variant.
Coding change: c.407C>G on transcript NM_002890.3 (MANE Select); coding-DNA position 407, C replaced by G.
Protein change: p.Pro136Arg; replaces proline 136 with arginine.
Molecular consequence: missense variant.
Genome position (GRCh38, 1-based): chr5:87,268,858, C>G. VCF-style: chr5-87268858-C-G. GRCh37 (hg19) VCF-style: chr5-86564675-C-G.
Other names: short protein forms P136R.
Identifiers: ClinVar variation 1051450 (VCV001051450.9), dbSNP rs769463654, ClinGen allele CA360417334.
Genomic context (GRCh38, chr5:87,268,858, plus strand): 5'-TCACCAAACTGCCCACTTCGTTGCTTGCTGAGACTCTCGGGCCAGGCGGCGGTTTTCCCC[C>G]TCTGCCCCCTCCCCCTTACCTGCCCCCTTTGGGGGCGGGCCTCGGGACAGTGGACGAAGG-3'
Protein context (NP_002881.1, residues 126-146): ETLGPGGGFP[Pro136Arg]LPPPPYLPPL